The following is an entry in ClinVar:

ClinVar aggregate classification (germline): Uncertain significance (1 of 4 stars; one submission).

Conditions:
Hereditary cancer-predisposing syndrome. Also called: Neoplastic Syndromes, Hereditary; Tumor predisposition; Hereditary Cancer Syndrome; Hereditary neoplastic syndrome. Identifiers: Orphanet 140162, MedGen C0027672, MeSH D009386, MONDO:0015356.

Submission:

Ambry Genetics
Classification: Uncertain significance for Hereditary cancer-predisposing syndrome. Last evaluated: 2022-08-17. Review status: criteria provided, single submitter. Criteria: Ambry Variant Classification Scheme 2023. Collection method: clinical testing. Allele origin: germline.
Comment: The p.Q1094L variant (also known as c.3281A>T), located in coding exon 26 of the POLD1 gene, results from an A to T substitution at nucleotide position 3281. The glutamine at codon 1094 is replaced by leucine, an amino acid with dissimilar properties. This amino acid position is conserved. In addition, this alteration is predicted to be tolerated by in silico analysis. Since supporting evidence is limited at this time, the clinical significance of this alteration remains unclear.

NM_002691.4(POLD1):c.3281A>T (p.Gln1094Leu)

Gene: POLD1 (DNA polymerase delta 1, catalytic subunit; plus strand). Cytogenetic location: 19q13.33.
Variant type: single nucleotide variant.
Coding change: c.3281A>T on transcript NM_002691.4 (MANE Select); coding-DNA position 3281, A replaced by T.
Protein change: p.Gln1094Leu; replaces glutamine 1094 with leucine.
Molecular consequence: missense variant. On other transcripts: non-coding transcript variant (1).
Genome position (GRCh38, 1-based): chr19:50,417,904, A>T. VCF-style: chr19-50417904-A-T. GRCh37 (hg19) VCF-style: chr19-50921161-A-T.
Other names: c.3281A>T, p.Gln1094Leu (NM_001256849.1); c.3359A>T, p.Gln1120Leu (NM_001308632.1); short protein forms Q1094L, Q1120L.
Identifiers: ClinVar variation 1729740 (VCV001729740.2), dbSNP rs2514087793, ClinGen allele CA406987833.